The following is an entry in ClinVar:

NM_005144.5(HR):c.3507+12G>A

Gene: HR (HR lysine demethylase and nuclear receptor corepressor; minus strand). Cytogenetic location: 8p21.3.
Variant type: single nucleotide variant.
Coding change: c.3507+12G>A on transcript NM_005144.5 (MANE Select); 12 bases into the intron after coding-DNA position 3507, G replaced by A.
Molecular consequence: intron variant.
Genome position (GRCh38, 1-based): chr8:22,116,288, C>T on the plus strand (G>A on the coding strand, the complement: HR is on the minus strand). VCF-style: chr8-22116288-C-T. GRCh37 (hg19) VCF-style: chr8-21973801-C-T.
Other names: c.3342+12G>A (NM_018411.4).
Identifiers: ClinVar variation 908946 (VCV000908946.7), dbSNP rs79262499, ClinGen allele CA4661761.

ClinVar aggregate classification (germline): Benign/Likely benign. Review status: criteria provided, multiple submitters, no conflicts (2 of 4 stars). 3 submissions from 2 submitters: Benign (1); Likely benign (2). Last evaluated 2024-09-29.

Conditions:
Alopecia universalis congenita (ALUNC). Also called: ATRICHIA, GENERALIZED. Identifiers: Orphanet 701, MedGen C1859877, MONDO:0008757, OMIM 203655.
Atrichia with papular lesions (APL). Also called: PAPULAR ATRICHIA. Identifiers: Orphanet 86819, MedGen C1859592, MONDO:0008847, OMIM 209500.

Allele frequency attached by ClinVar (database versions not stated): gnomAD exomes 0.00012 and 0.00032; ExAC 0.00039; gnomAD 0.00133 and 0.00140; TOPMed 0.00133; 1000 Genomes Project 0.00140; 1000 Genomes Project 30x 0.00141; ESP Exome Variant Server 0.00169.
gnomAD v4.1: 370 of 1,611,918 alleles (0.023%); highest among the groups gnomAD compares: African/African-American, 0.45%; 2 homozygotes.

Submissions (3):

Labcorp Genetics (formerly Invitae), Labcorp
Classification: Benign. Last evaluated: 2024-09-29. Review status: criteria provided, single submitter. Criteria: Invitae Variant Classification Sherloc (09022015). Collection method: clinical testing. Allele origin: germline.

Illumina Laboratory Services, Illumina
Classification: Likely benign for Atrichia with papular lesions. Last evaluated: 2018-01-13. Review status: criteria provided, single submitter. Criteria: ICSL Variant Classification Criteria 13 December 2019. Collection method: clinical testing. Allele origin: germline.
Comment: This variant was observed in the ICSL laboratory as part of a predisposition screen in an ostensibly healthy population. It had not been previously curated by ICSL or reported in the Human Gene Mutation Database (HGMD: prior to June 1st, 2018), and was therefore a candidate for classification through an automated scoring system. Utilizing variant allele frequency, disease prevalence and penetrance estimates, and inheritance mode, an automated score was calculated to assess if this variant is too frequent to cause the disease. Based on the score and internal cut-off values, a variant classified as likely benign is not then subjected to further curation. The score for this variant resulted in a classification of likely benign for this disease.

Illumina Laboratory Services, Illumina
Classification: Likely benign for Alopecia universalis congenita. Last evaluated: 2018-01-13. Review status: criteria provided, single submitter. Criteria: ICSL Variant Classification Criteria 13 December 2019. Collection method: clinical testing. Allele origin: germline.
Comment: the same text as in the submission from Illumina Laboratory Services, Illumina above.